The following is an entry in ClinVar:

ClinVar aggregate classification (germline): Pathogenic (1 of 4 stars; one submission).

Conditions:
Severe myoclonic epilepsy in infancy (DRVT). Also called: Epileptic encephalopathy, early infantile, 6 (Dravet syndrome); SEVERE MYOCLONIC EPILEPSY OF INFANCY; DEVELOPMENTAL AND EPILEPTIC ENCEPHALOPATHY 6A; Severe Myoclonic Epilepsy in Infancy (SMEI); Dravet syndrome. Identifiers: Orphanet 33069, MedGen C0751122, MONDO:0100135, OMIM 607208.

Submission:

Center for Bioinformatics, Peking University
Classification: Pathogenic for Dravet syndrome. Last evaluated: 2014-12-20. Review status: criteria provided, single submitter. Criteria: Xu et al. (Hum Mutat. 2015). Collection method: research. Allele origin: de novo. Affected: yes. Observed: 1 variant allele. Study: University Clinical Cooperation “985 Project” PKU-2014-1-1.
Comment: Dravet syndrome (DS) probands were recruited from the outpatient and inpatient child neurology units of Peking University First Hospital from 2005 till present. The study was approved by the Ethics Committee of Peking University First Hospital and the Institutional Review Board at Peking University. Participants or their parents provided written informed consent before enrollment. We collected a total of 267 mutations from 255 families with probands diagnosed with DS in China. All probands fulfilled the clinical diagnostic criteria.

NM_001165963.4(SCN1A):c.1197_1198del (p.Met400fs)

Gene: SCN1A (sodium voltage-gated channel alpha subunit 1; minus strand). Cytogenetic location: 2q24.3.
Variant type: Deletion.
Coding change: c.1197_1198del on transcript NM_001165963.4 (MANE Select); coding-DNA positions 1197 to 1198, 2 bases deleted (CA; older notation c.1197_1198delCA).
Protein change: p.Met400fs; shifts the reading frame from methionine 400.
Molecular consequence: frameshift variant. On other transcripts: 5 prime UTR variant (1), non-coding transcript variant (1).
Genome position (GRCh38, 1-based): chr2:166,046,949-166,046,950, TG deleted on the plus strand (CA on the coding strand, the reverse complement: SCN1A is on the minus strand); deleting any 2 consecutive bases within chr2:166,046,949-166,046,951 gives the same sequence; the c. name uses the placement nearest the transcript's 3' end. VCF-style (leftmost placement, unchanged base first): chr2-166046948-ATG-A. GRCh37 (hg19) VCF-style: chr2-166903458-ATG-A.
Other names: c.1197_1198del, p.Met400fs (NM_001165964.3, NM_001202435.3, NM_001353948.2 and 10 more transcripts); c.-1229_-1228del (NM_001353961.2); short protein forms M400fs.
Identifiers: ClinVar variation 189987 (VCV000189987.1), dbSNP rs794726818, ClinGen allele CA303488.